The following is an entry in ClinVar:

ClinVar aggregate classification (germline): Uncertain significance (1 of 4 stars; one submission).

Conditions:
Inborn genetic diseases. Identifiers: MedGen C0950123, MeSH D030342.

Submission:

Ambry Genetics
Classification: Uncertain significance for Inborn genetic diseases. Last evaluated: 2017-06-30. Review status: criteria provided, single submitter. Criteria: Ambry Variant Classification Scheme 2023. Collection method: clinical testing. Allele origin: germline.
Comment: The p.A1549P variant (also known as c.4645G>C), located in coding exon 42 of the DEPDC5 gene, results from a G to C substitution at nucleotide position 4645. The alanine at codon 1549 is replaced by proline, an amino acid with highly similar properties. This amino acid position is highly conserved in available vertebrate species. In addition, this alteration is predicted to be deleterious by in silico analysis. Since supporting evidence is limited at this time, the clinical significance of this alteration remains unclear.

NM_001242896.3(DEPDC5):c.4645G>C (p.Ala1549Pro)

Gene: DEPDC5 (DEP domain containing 5, GATOR1 subcomplex subunit; plus strand). Cytogenetic location: 22q12.3.
Variant type: single nucleotide variant.
Coding change: c.4645G>C on transcript NM_001242896.3 (MANE Select); coding-DNA position 4645, G replaced by C.
Protein change: p.Ala1549Pro; replaces alanine 1549 with proline.
Molecular consequence: missense variant. On other transcripts: non-coding transcript variant (5).
Genome position (GRCh38, 1-based): chr22:31,906,330, G>C. VCF-style: chr22-31906330-G-C. GRCh37 (hg19) VCF-style: chr22-32302316-G-C.
Other names: c.4618G>C, p.Ala1540Pro (NM_001136029.4); c.4345G>C, p.Ala1449Pro (NM_001242897.2); c.4579G>C, p.Ala1527Pro (NM_001363852.2, NM_001364320.2); c.4411G>C, p.Ala1471Pro (NM_001363854.2, NM_001364319.2); c.4645G>C, p.Ala1549Pro (NM_001364318.2); c.4561G>C, p.Ala1521Pro (NM_001369901.1, NM_001369902.1); c.4552G>C, p.Ala1518Pro (NM_001369903.1, NM_014662.6); short protein forms A1527P, A1540P, A1549P, A1449P, A1471P, A1518P, A1521P.
Identifiers: ClinVar variation 1742149 (VCV001742149.2), dbSNP rs912889864, ClinGen allele CA411292629.